The following is an entry in ClinVar:

ClinVar aggregate classification (germline): Likely benign (1 of 4 stars; one submission).

gnomAD v4.1: 199 of 1,613,844 alleles (0.012%); highest among the groups gnomAD compares: Non-Finnish European, 0.016%; 1 homozygote.

Submission:

CeGaT Center for Human Genetics Tuebingen
Classification: Likely benign. Last evaluated: 2025-06-01. Review status: criteria provided, single submitter. Criteria: CeGaT Center For Human Genetics Tuebingen Variant Classification Criteria Version 2. Collection method: clinical testing. Allele origin: germline. Affected: yes. Observed: 1 variant allele.
Comment: FLG: BP4, BP7

NM_002016.2(FLG):c.4746G>A (p.Ala1582=)

Genes: CCDST (cervical cancer associated DHX9 suppressive transcript; plus strand), FLG (filaggrin; minus strand). Cytogenetic location: 1q21.3.
Variant type: single nucleotide variant.
Coding change: c.4746G>A on transcript NM_002016.2 (MANE Select); coding-DNA position 4746, G replaced by A.
Protein change: p.Ala1582=; no amino-acid change (alanine 1582 retained).
Molecular consequence: synonymous variant.
Genome position (GRCh38, 1-based): chr1:152,310,140, C>T on the plus strand (G>A on the coding strand, the complement: FLG is on the minus strand). VCF-style: chr1-152310140-C-T. GRCh37 (hg19) VCF-style: chr1-152282616-C-T.
Identifiers: ClinVar variation 4083758 (VCV004083758.8).